The following is an entry in ClinVar:

NM_001048174.2(MUTYH):c.52A>G (p.Ser18Gly)

Gene: MUTYH (mutY DNA glycosylase; minus strand). Cytogenetic location: 1p34.1.
Variant type: single nucleotide variant.
Coding change: c.52A>G on transcript NM_001048174.2 (MANE Select); coding-DNA position 52, A replaced by G.
Protein change: p.Ser18Gly; replaces serine 18 with glycine.
Molecular consequence: missense variant. On other transcripts: 5 prime UTR variant (7), non-coding transcript variant (7).
Genome position (GRCh38, 1-based): chr1:45,334,454, T>C on the plus strand (A>G on the coding strand, the complement: MUTYH is on the minus strand). VCF-style: chr1-45334454-T-C. GRCh37 (hg19) VCF-style: chr1-45800126-T-C.
Other names: c.52A>G, p.Ser18Gly (NM_001048172.2, NM_001048173.2, NM_001293191.2 and 15 more transcripts); c.94A>G, p.Ser32Gly (NM_001293190.2, NM_001128425.2, NM_001407069.1 and 2 more transcripts); c.-161A>G (NM_001293192.2, NM_001293196.2, NM_001407091.1); c.-220A>G (NM_001350650.2); c.-156A>G (NM_001350651.2, NM_001407082.1); c.-105A>G (NM_001407075.1); c.70A>G, p.Ser24Gly (NM_001407087.1); short protein forms S24G, S18G, S32G.
Identifiers: ClinVar variation 4113942 (VCV004113942.1).

ClinVar aggregate classification (germline): Uncertain significance (1 of 4 stars; one submission).

Conditions:
Hereditary cancer-predisposing syndrome. Also called: Hereditary neoplastic syndrome; Neoplastic Syndromes, Hereditary; Tumor predisposition; Hereditary Cancer Syndrome. Identifiers: Orphanet 140162, MedGen C0027672, MeSH D009386, MONDO:0015356.

Submission:

Ambry Genetics
Classification: Uncertain significance for Hereditary cancer-predisposing syndrome. Last evaluated: 2025-08-27. Review status: criteria provided, single submitter. Criteria: Ambry Variant Classification Scheme 2023. Collection method: clinical testing. Allele origin: germline.
Comment: The p.S32G variant (also known as c.94A>G), located in coding exon 2 of the MUTYH gene, results from an A to G substitution at nucleotide position 94. The serine at codon 32 is replaced by glycine, an amino acid with similar properties. This amino acid position is conserved. In addition, this alteration is predicted to be tolerated by in silico analysis. Based on the available evidence, the clinical significance of this variant remains unclear.